The following is an entry in ClinVar:

ClinVar aggregate classification (germline): Uncertain significance. Review status: criteria provided, multiple submitters, no conflicts (2 of 4 stars). 3 submissions from 3 submitters: Uncertain significance (3). Last evaluated 2025-08-25.

Conditions:
Inborn genetic diseases. Identifiers: MedGen C0950123, MeSH D030342.
Familial focal epilepsy with variable foci (FPEVF). Identifiers: Orphanet 98820, MedGen C1858477, MONDO:0020310.

Allele frequency attached by ClinVar (database versions not stated): TOPMed below 0.00001; gnomAD exomes 0.00001; ExAC 0.00002; gnomAD 0.00002.
gnomAD v4.1: 24 of 1,611,386 alleles (0.0015%); highest among the groups gnomAD compares: Non-Finnish European, 0.0016%; no homozygotes.

Submissions (3):

Ambry Genetics
Classification: Uncertain significance for Inborn genetic diseases. Last evaluated: 2025-08-25. Review status: criteria provided, single submitter. Criteria: Ambry Variant Classification Scheme 2023. Collection method: clinical testing. Allele origin: germline.

Labcorp Genetics (formerly Invitae), Labcorp
Classification: Uncertain significance for Familial focal epilepsy with variable foci. Last evaluated: 2025-03-25. Review status: criteria provided, single submitter. Criteria: Invitae Variant Classification Sherloc (09022015). Collection method: clinical testing. Allele origin: germline.
Comment: This sequence change replaces threonine, which is neutral and polar, with isoleucine, which is neutral and non-polar, at codon 1276 of the DEPDC5 protein (p.Thr1276Ile). This variant is present in population databases (rs780045152, gnomAD 0.008%). This variant has not been reported in the literature in individuals affected with DEPDC5-related conditions. ClinVar contains an entry for this variant (Variation ID: 961331). Experimental studies and prediction algorithms are not available or were not evaluated, and the functional significance of this variant is currently unknown. In summary, the available evidence is currently insufficient to determine the role of this variant in disease. Therefore, it has been classified as a Variant of Uncertain Significance.

CeGaT Center for Human Genetics Tuebingen
Classification: Uncertain significance. Last evaluated: 2024-03-01. Review status: criteria provided, single submitter. Criteria: CeGaT Center For Human Genetics Tuebingen Variant Classification Criteria Version 2. Collection method: clinical testing. Allele origin: germline. Affected: yes. Observed: 1 variant allele.
Comment: DEPDC5: PM2, BP4

NM_001242896.3(DEPDC5):c.3827C>T (p.Thr1276Ile)

Gene: DEPDC5 (DEP domain containing 5, GATOR1 subcomplex subunit; plus strand). Cytogenetic location: 22q12.3.
Variant type: single nucleotide variant.
Coding change: c.3827C>T on transcript NM_001242896.3 (MANE Select); coding-DNA position 3827, C replaced by T.
Protein change: p.Thr1276Ile; replaces threonine 1276 with isoleucine.
Molecular consequence: missense variant. On other transcripts: non-coding transcript variant (5).
Genome position (GRCh38, 1-based): chr22:31,879,546, C>T. VCF-style: chr22-31879546-C-T. GRCh37 (hg19) VCF-style: chr22-32275532-C-T.
Other names: c.3800C>T, p.Thr1267Ile (NM_001136029.4); c.3527C>T, p.Thr1176Ile (NM_001242897.2); c.3761C>T, p.Thr1254Ile (NM_001363852.2, NM_001364320.2); c.3593C>T, p.Thr1198Ile (NM_001363854.2, NM_001364319.2); c.3827C>T, p.Thr1276Ile (NM_001364318.2); c.3743C>T, p.Thr1248Ile (NM_001369901.1, NM_001369902.1); c.3734C>T, p.Thr1245Ile (NM_001369903.1, NM_014662.6); short protein forms T1248I, T1276I, T1245I, T1254I, T1176I, T1267I, T1198I.
Identifiers: ClinVar variation 961331 (VCV000961331.31), dbSNP rs780045152, ClinGen allele CA10197126.